The following is an entry in ClinVar:

NM_001195626.3(MLLT10):c.1991-4A>G

Gene: MLLT10 (MLLT10 histone lysine methyltransferase DOT1L cofactor; plus strand). Cytogenetic location: 10p12.31.
Variant type: single nucleotide variant.
Coding change: c.1991-4A>G on transcript NM_001195626.3 (MANE Select); 4 bases into the intron before coding-DNA position 1991, A replaced by G.
Molecular consequence: intron variant.
Genome position (GRCh38, 1-based): chr10:21,727,852, A>G. VCF-style: chr10-21727852-A-G. GRCh37 (hg19) VCF-style: chr10-22016781-A-G.
Other names: c.1256-4A>G (NM_001324297.2); c.2039-4A>G (NM_004641.4).
Identifiers: ClinVar variation 3055555 (VCV003055555.2), dbSNP rs201364627, ClinGen allele CA5435035.
Genomic context (GRCh38, chr10:21,727,852, plus strand): 5'-AAGAGTTTAAAACCTCTTATCTAGTGAGAGTCACTTTATCAGCTCTGAAATATTTACACT[A>G]CAGATCAAGATCTTGGAGACAATAGCCGCAACCTAGTTGGCAGAGGAAGCTCACCCCGAG-3'

ClinVar aggregate classification (germline): Likely benign (0 of 4 stars; one submission).

Conditions:
MLLT10-related disorder. Also called: MLLT10-related condition.

Allele frequency attached by ClinVar (database versions not stated): 1000 Genomes Project 30x 0.00031; 1000 Genomes Project 0.00040; ExAC 0.00071; gnomAD 0.00076; TOPMed 0.00083; ESP Exome Variant Server 0.00123; gnomAD exomes 0.00139.
gnomAD v4.1: 2,110 of 1,612,776 alleles (0.13%); highest among the groups gnomAD compares: Non-Finnish European, 0.17%; 5 homozygotes.

Submission:

PreventionGenetics, part of Exact Sciences
Classification: Likely benign for MLLT10-related condition. Last evaluated: 2019-04-10. Review status: no assertion criteria provided. Collection method: clinical testing. Allele origin: germline.
Comment: This variant is classified as likely benign based on ACMG/AMP sequence variant interpretation guidelines (Richards et al. 2015 PMID: 25741868, with internal and published modifications).